The following is an entry in ClinVar:

ClinVar aggregate classification (germline): Uncertain significance. Review status: criteria provided, multiple submitters, no conflicts (2 of 4 stars). 3 submissions from 3 submitters: Uncertain significance (3). Last evaluated 2024-07-31.

Conditions:
Hereditary cancer-predisposing syndrome. Also called: Neoplastic Syndromes, Hereditary; Tumor predisposition; Hereditary Cancer Syndrome; Hereditary neoplastic syndrome. Identifiers: Orphanet 140162, MedGen C0027672, MeSH D009386, MONDO:0015356.
Multiple endocrine neoplasia, type 2 (MEN2). Identifiers: Orphanet 653, MedGen C4048306, MONDO:0019003. Disease mechanism: gain of function.

Allele frequency attached by ClinVar (database versions not stated): gnomAD exomes below 0.00001 and 0.00001.
gnomAD v4.1: 4 of 1,607,812 alleles (0.00025%); highest among the groups gnomAD compares: East Asian, 0.0067%; no homozygotes.

Submissions (3):

Labcorp Genetics (formerly Invitae), Labcorp
Classification: Uncertain significance for Multiple endocrine neoplasia, type 2. Last evaluated: 2024-07-31. Review status: criteria provided, single submitter. Criteria: Invitae Variant Classification Sherloc (09022015). Collection method: clinical testing. Allele origin: germline.
Comment: This sequence change replaces tyrosine, which is neutral and polar, with cysteine, which is neutral and slightly polar, at codon 806 of the RET protein (p.Tyr806Cys). This variant is present in population databases (rs377767419, gnomAD 0.001%). This missense change has been observed in individual(s) with multiple endocrine neoplasia type 2 in whom it occurs on the same chromosome with the pathogenic RET p.Val804Met variant (PMID: 25759805). ClinVar contains an entry for this variant (Variation ID: 24942). An algorithm developed to predict the effect of missense changes on protein structure and function (PolyPhen-2) suggests that this variant is likely to be disruptive. Experimental studies are conflicting or provide insufficient evidence to determine the effect of this variant on RET function (PMID: 10679286). In summary, the available evidence is currently insufficient to determine the role of this variant in disease. Therefore, it has been classified as a Variant of Uncertain Significance.

All of Us Research Program, National Institutes of Health
Classification: Uncertain significance for Multiple endocrine neoplasia, type 2. Last evaluated: 2024-06-11. Review status: criteria provided, single submitter. Criteria: ACMG Guidelines, 2015. Collection method: clinical testing. Allele origin: germline. Inheritance: Autosomal dominant inheritance. Observed: 2 variant alleles, 2 heterozygotes.
Comment: This missense variant replaces tyrosine with cysteine at codon 806 of the RET protein. Computational prediction suggests that this variant may have deleterious impact on protein structure and function. A functional study has shown this variant individually does not increase transforming ability in transfected cells (PMID: 10679286). his variant has been reported in an individual affected with multiple endocrine neoplasia type 2; this individual also carried a pathogenic co-variant in the RET gene that could explain the observed phenotype (PMID: 10076558). This variant has been identified in 1/236534 chromosomes in the general population by the Genome Aggregation Database (gnomAD). The available evidence is insufficient to determine the role of this variant in disease conclusively. Therefore, this variant is classified as a Variant of Uncertain Significance.

This study involves interpretation of variants in research participants for the purpose of population health screening. Participant phenotype was not available at the time of variant classification. Additional details can be found in publication PMID: 35346344, PMCID: PMC8962531

Ambry Genetics
Classification: Uncertain significance for Hereditary cancer-predisposing syndrome. Last evaluated: 2024-05-30. Review status: criteria provided, single submitter. Criteria: Ambry Variant Classification Scheme 2023. Collection method: clinical testing. Allele origin: germline.
Comment: The p.Y806C variant (also known as c.2417A>G), located in coding exon 14 of the RET gene, results from an A to G substitution at nucleotide position 2417. The tyrosine at codon 806 is replaced by cysteine, an amino acid with highly dissimilar properties. This variant was detected in a MEN 2B family but was found to co-occur with a RET p.V804M mutation (Kihara M et al. Eur Thyroid J, 2014 Dec;3:272-7). This amino acid position is highly conserved in available vertebrate species. In addition, this alteration is predicted to be deleterious by in silico analysis. Based on the available evidence, the clinical significance of this variant remains unclear.

Literature cited by the submitters: PubMed 25759805 (cited by Labcorp Genetics (formerly Invitae), Labcorp and Ambry Genetics); PubMed 10679286 (cited by Labcorp Genetics (formerly Invitae), Labcorp and All of Us Research Program, National Institutes of Health); PubMed 10076558 (cited by All of Us Research Program, National Institutes of Health).

NM_020975.6(RET):c.2417A>G (p.Tyr806Cys)

Gene: RET (ret proto-oncogene; plus strand). Cytogenetic location: 10q11.21.
Variant type: single nucleotide variant.
Coding change: c.2417A>G on transcript NM_020975.6 (MANE Select); coding-DNA position 2417, A replaced by G.
Protein change: p.Tyr806Cys; replaces tyrosine 806 with cysteine.
Molecular consequence: missense variant.
Genome position (GRCh38, 1-based): chr10:43,119,555, A>G. VCF-style: chr10-43119555-A-G. GRCh37 (hg19) VCF-style: chr10-43615003-A-G.
Other names: c.2417A>G, p.Tyr806Cys (NM_000323.2, NM_001406743.1, NM_001406744.1 and 4 more transcripts); c.1655A>G, p.Tyr552Cys (NM_001355216.2); c.2288A>G, p.Tyr763Cys (NM_001406761.1, NM_001406762.1, NM_001406764.1); c.2282A>G, p.Tyr761Cys (NM_001406763.1, NM_001406765.1); c.2129A>G, p.Tyr710Cys (NM_001406766.1, NM_001406767.1, NM_001406770.1); c.2153A>G, p.Tyr718Cys (NM_001406768.1); c.2021A>G, p.Tyr674Cys (NM_001406769.1, NM_001406772.1); c.1979A>G, p.Tyr660Cys (NM_001406771.1, NM_001406773.1); and 10 more; short protein forms Y806C, Y552C, Y476C, Y710C, Y761C, Y763C, Y462C, Y507C.
Identifiers: ClinVar variation 24942 (VCV000024942.11), dbSNP rs377767419, ClinGen allele CA008779.